The following is an entry in ClinVar:

NM_016360.4(TACO1):c.830C>T (p.Ala277Val)

Gene: TACO1 (translational activator of cytochrome c oxidase I; plus strand). Cytogenetic location: 17q23.3.
Variant type: single nucleotide variant.
Coding change: c.830C>T on transcript NM_016360.4 (MANE Select); coding-DNA position 830, C replaced by T.
Protein change: p.Ala277Val; replaces alanine 277 with valine.
Molecular consequence: missense variant.
Genome position (GRCh38, 1-based): chr17:63,607,938, C>T. VCF-style: chr17-63607938-C-T. GRCh37 (hg19) VCF-style: chr17-61685298-C-T.
Other names: short protein forms A277V.
Identifiers: ClinVar variation 1993370 (VCV001993370.4), dbSNP rs531719527, ClinGen allele CA8702242.
Genomic context (GRCh38, chr17:63,607,938, plus strand): 5'-CACTAGAGTTCATCCCCAACTCAAAGGTGCAGCTGGCTGAGCCCGACCTGGAACAGGCCG[C>T]ACATCTCATTCAGGCTCTCAGCAACCACGAGGATGTGATTCACGTCTATGATAACATTGA-3'
Protein context (NP_057444.2, residues 267-287): QLAEPDLEQA[Ala277Val]HLIQALSNHE

ClinVar aggregate classification (germline): Uncertain significance (1 of 4 stars; one submission).

Allele frequency attached by ClinVar (database versions not stated): ExAC 0.00001; gnomAD 0.00001; 1000 Genomes Project 30x 0.00016; 1000 Genomes Project 0.00020.
gnomAD v4.1: 1 of 1,614,186 alleles (0.000062%); highest among the groups gnomAD compares: East Asian, 0.0022%; no homozygotes.

Submission:

Labcorp Genetics (formerly Invitae), Labcorp
Classification: Uncertain significance. Last evaluated: 2022-08-08. Review status: criteria provided, single submitter. Criteria: Invitae Variant Classification Sherloc (09022015). Collection method: clinical testing. Allele origin: germline.
Comment: This variant is present in population databases (rs531719527, gnomAD 0.006%). This sequence change replaces alanine, which is neutral and non-polar, with valine, which is neutral and non-polar, at codon 277 of the TACO1 protein (p.Ala277Val). In summary, the available evidence is currently insufficient to determine the role of this variant in disease. Therefore, it has been classified as a Variant of Uncertain Significance. Algorithms developed to predict the effect of missense changes on protein structure and function output the following: SIFT: "Tolerated"; PolyPhen-2: "Benign"; Align-GVGD: "Class C0". The valine amino acid residue is found in multiple mammalian species, which suggests that this missense change does not adversely affect protein function. This variant has not been reported in the literature in individuals affected with TACO1-related conditions.